The following is an entry in ClinVar:

ClinVar aggregate classification (germline): Likely benign. Review status: criteria provided, multiple submitters, no conflicts (2 of 4 stars). 4 submissions from 4 submitters: Likely benign (4). Last evaluated 2025-04-04.

Conditions:
Familial hypercholesterolemia. Also called: Familial hypercholesterolemias; Familial hypercholesterolaemia. Identifiers: MedGen C0020445, MONDO:0005439.
Cardiovascular phenotype. Identifiers: MedGen CN230736.
Familial hypobetalipoproteinemia 1. Also called: Hypobetalipoproteinemia, normotriglyceridemic; Acanthocytosis with hypobetalipoproteinemia; APOB-Related Familial Hypobetalipoproteinemia. Identifiers: MedGen C4551990, MONDO:0014252, OMIM 615558.
Hypercholesterolemia, autosomal dominant, type B (FHCL2). Also called: Familial Hypercholesterolemia Type B; Familial hypercholesterolemia 2; Hyperlipoproteinemia Type IIb; HYPERCHOLESTEROLEMIA, FAMILIAL, DUE TO LIGAND-DEFECTIVE APOLIPOPROTEIN B; APOLIPOPROTEIN B-100, FAMILIAL DEFECTIVE; APOLIPOPROTEIN B-100, FAMILIAL LIGAND-DEFECTIVE. Identifiers: MedGen C1704417, MONDO:0007751, OMIM 144010.

Allele frequency attached by ClinVar (database versions not stated): TOPMed below 0.00001; gnomAD 0.00001; gnomAD exomes 0.00001; ExAC 0.00002.
gnomAD v4.1: 9 of 1,613,848 alleles (0.00056%); highest among the groups gnomAD compares: Non-Finnish European, 0.00076%; no homozygotes.

Submissions (4):

Labcorp Genetics (formerly Invitae), Labcorp
Classification: Likely benign for Familial hypobetalipoproteinemia 1; Hypercholesterolemia, autosomal dominant, type B. Last evaluated: 2025-04-04. Review status: criteria provided, single submitter. Criteria: Invitae Variant Classification Sherloc (09022015). Collection method: clinical testing. Allele origin: germline.

GENinCode PLC
Classification: Likely benign for Familial hypercholesterolemia. Last evaluated: 2025-01-09. Review status: criteria provided, single submitter. Criteria: ACMG Guidelines, 2015. Collection method: clinical testing. Allele origin: germline.
Comment: This is a synonymous (silent) variant that is not predicted to impact splicing and occurs at a nucleotide which is not highly conserved. This variant has been classified as Likely Benign (BP4, BP7).

Blueprint Genetics
Classification: Likely benign. Last evaluated: 2022-08-11. Review status: criteria provided, single submitter. Criteria: ACMG Guidelines, 2015. Collection method: clinical testing. Allele origin: germline.

Ambry Genetics
Classification: Likely benign for Cardiovascular phenotype. Last evaluated: 2018-11-14. Review status: criteria provided, single submitter. Criteria: Ambry Variant Classification Scheme 2023. Collection method: clinical testing. Allele origin: germline.

NM_000384.3(APOB):c.10974C>T (p.His3658=)

Gene: APOB (apolipoprotein B; minus strand). Cytogenetic location: 2p24.1.
Variant type: single nucleotide variant.
Coding change: c.10974C>T on transcript NM_000384.3 (MANE Select); coding-DNA position 10974, C replaced by T.
Protein change: p.His3658=; no amino-acid change (histidine 3658 retained).
Molecular consequence: synonymous variant.
Genome position (GRCh38, 1-based): chr2:21,005,894, G>A on the plus strand (C>T on the coding strand, the complement: APOB is on the minus strand). VCF-style: chr2-21005894-G-A. GRCh37 (hg19) VCF-style: chr2-21228766-G-A.
Identifiers: ClinVar variation 925277 (VCV000925277.17), dbSNP rs766178148, ClinGen allele CA045285.